The following is an entry in ClinVar:

ClinVar aggregate classification (germline): Uncertain significance. Review status: criteria provided, multiple submitters, no conflicts (2 of 4 stars). 2 submissions from 2 submitters: Uncertain significance (2). Last evaluated 2025-04-28.

Conditions:
Inborn genetic diseases. Identifiers: MedGen C0950123, MeSH D030342.

Allele frequency attached by ClinVar (database versions not stated): gnomAD exomes 0.00001; gnomAD 0.00006; TOPMed 0.00007; 1000 Genomes Project 30x 0.00016.
gnomAD v4.1: 24 of 1,537,216 alleles (0.0016%); highest among the groups gnomAD compares: African/African-American, 0.031%; no homozygotes.

Submissions (2):

Ambry Genetics
Classification: Uncertain significance for Inborn genetic diseases. Last evaluated: 2025-04-28. Review status: criteria provided, single submitter. Criteria: Ambry Variant Classification Scheme 2023. Collection method: clinical testing. Allele origin: germline.

Labcorp Genetics (formerly Invitae), Labcorp
Classification: Uncertain significance. Last evaluated: 2023-10-29. Review status: criteria provided, single submitter. Criteria: Invitae Variant Classification Sherloc (09022015). Collection method: clinical testing. Allele origin: germline.
Comment: This sequence change replaces isoleucine, which is neutral and non-polar, with valine, which is neutral and non-polar, at codon 1073 of the PIEZO2 protein (p.Ile1073Val). This variant is present in population databases (no rsID available, gnomAD 0.01%). This variant has not been reported in the literature in individuals affected with PIEZO2-related conditions. Advanced modeling of protein sequence and biophysical properties (such as structural, functional, and spatial information, amino acid conservation, physicochemical variation, residue mobility, and thermodynamic stability) performed at Invitae indicates that this missense variant is not expected to disrupt PIEZO2 protein function with a negative predictive value of 80%. In summary, the available evidence is currently insufficient to determine the role of this variant in disease. Therefore, it has been classified as a Variant of Uncertain Significance.

NM_001378183.1(PIEZO2):c.3292A>G (p.Ile1098Val)

Gene: PIEZO2 (piezo type mechanosensitive ion channel component 2; minus strand). Cytogenetic location: 18p11.22.
Variant type: single nucleotide variant.
Coding change: c.3292A>G on transcript NM_001378183.1 (MANE Select); coding-DNA position 3292, A replaced by G.
Protein change: p.Ile1098Val; replaces isoleucine 1098 with valine.
Molecular consequence: missense variant.
Genome position (GRCh38, 1-based): chr18:10,761,069, T>C on the plus strand (A>G on the coding strand, the complement: PIEZO2 is on the minus strand). VCF-style: chr18-10761069-T-C. GRCh37 (hg19) VCF-style: chr18-10761067-T-C.
Other names: c.3217A>G (NM_022068.2); c.3292A>G, p.Ile1098Val (NM_001410871.1); c.3217A>G, p.Ile1073Val (NM_022068.4); short protein forms I1073V, I1098V.
Identifiers: ClinVar variation 2906913 (VCV002906913.4), dbSNP rs956022243, ClinGen allele CA296031549.